The following is an entry in ClinVar:

NM_001134707.2(SARDH):c.741T>C (p.Phe247=)

Gene: SARDH (sarcosine dehydrogenase; minus strand). Cytogenetic location: 9q34.2.
Variant type: single nucleotide variant.
Coding change: c.741T>C on transcript NM_001134707.2 (MANE Select); coding-DNA position 741, T replaced by C.
Protein change: p.Phe247=; no amino-acid change (phenylalanine 247 retained).
Molecular consequence: synonymous variant.
Genome position (GRCh38, 1-based): chr9:133,730,137, A>G on the plus strand (T>C on the coding strand, the complement: SARDH is on the minus strand). VCF-style: chr9-133730137-A-G. GRCh37 (hg19) VCF-style: chr9-136595259-A-G.
Other names: c.741T>C, p.Phe247= (NM_007101.4).
Identifiers: ClinVar variation 3067726 (VCV003067726.21), dbSNP rs765710837, ClinGen allele CA5314686.

ClinVar aggregate classification (germline): Likely benign (1 of 4 stars; one submission).

Allele frequency attached by ClinVar (database versions not stated): ExAC 0.00002; TOPMed 0.00002; gnomAD 0.00005; gnomAD exomes 0.00009.
gnomAD v4.1: 138 of 1,614,070 alleles (0.0085%); highest among the groups gnomAD compares: Non-Finnish European, 0.012%; no homozygotes.

Submission:

CeGaT Center for Human Genetics Tuebingen
Classification: Likely benign. Last evaluated: 2024-03-01. Review status: criteria provided, single submitter. Criteria: CeGaT Center For Human Genetics Tuebingen Variant Classification Criteria Version 2. Collection method: clinical testing. Allele origin: germline. Affected: yes. Observed: 1 variant allele.
Comment: SARDH: BP4, BP7